The following is an entry in ClinVar:

NM_001939.3(DRP2):c.989A>T (p.Glu330Val)

Gene: DRP2 (dystrophin related protein 2; plus strand). Cytogenetic location: Xq22.1.
Variant type: single nucleotide variant.
Coding change: c.989A>T on transcript NM_001939.3 (MANE Select); coding-DNA position 989, A replaced by T.
Protein change: p.Glu330Val; replaces glutamic acid 330 with valine.
Molecular consequence: missense variant.
Genome position (GRCh38, 1-based): chrX:101,242,917, A>T. VCF-style: chrX-101242917-A-T. GRCh37 (hg19) VCF-style: chrX-100497906-A-T.
Other names: c.755A>T, p.Glu252Val (NM_001171184.2); short protein forms E252V, E330V.
Identifiers: ClinVar variation 1718351 (VCV001718351.5), dbSNP rs2523071979, ClinGen allele CA413919752.

ClinVar aggregate classification (germline): Uncertain significance (1 of 4 stars; one submission).

Submission:

Labcorp Genetics (formerly Invitae), Labcorp
Classification: Uncertain significance. Last evaluated: 2022-08-30. Review status: criteria provided, single submitter. Criteria: Invitae Variant Classification Sherloc (09022015). Collection method: clinical testing. Allele origin: germline.
Comment: This sequence change replaces glutamic acid, which is acidic and polar, with valine, which is neutral and non-polar, at codon 330 of the DRP2 protein (p.Glu330Val). In summary, the available evidence is currently insufficient to determine the role of this variant in disease. Therefore, it has been classified as a Variant of Uncertain Significance. This variant is not present in population databases (gnomAD no frequency). This variant has not been reported in the literature in individuals affected with DRP2-related conditions. Algorithms developed to predict the effect of missense changes on protein structure and function are either unavailable or do not agree on the potential impact of this missense change (SIFT: "Tolerated"; PolyPhen-2: "Possibly Damaging"; Align-GVGD: "Class C0").